The following is an entry in ClinVar:

NM_000132.4(F8):c.897_898insAAGGCGTCGC (p.His300fs)

Gene: F8 (coagulation factor VIII; minus strand). Cytogenetic location: Xq28.
Variant type: Insertion.
Coding change: c.897_898insAAGGCGTCGC on transcript NM_000132.4 (MANE Select); coding-DNA positions 897 to 898, AAGGCGTCGC inserted.
Protein change: p.His300fs; shifts the reading frame from histidine 300.
Molecular consequence: frameshift variant.
Genome position: GRCh38 VCF-style: chrX-154969442-G-GGCGACGCCTT. GRCh37 (hg19) VCF-style: chrX-154197717-G-GGCGACGCCTT.
Other names: short protein forms H300fs.
Identifiers: ClinVar variation 1703845 (VCV001703845.1), dbSNP rs2523954426, ClinGen allele CA2580101795.

ClinVar aggregate classification (germline): Likely pathogenic (1 of 4 stars; one submission).

Conditions:
Hereditary factor VIII deficiency disease (HEMA). Also called: HEMOPHILIA, CLASSIC; AUTOSOMAL HEMOPHILIA A; Hemophilia A; Hemophilia A, congenital; HEM A; Factor 8 deficiency, congenital. Identifiers: Orphanet 98878, MedGen C0019069, MONDO:0010602, OMIM 306700.

Submission:

ISTH-SSC Genomics in Thrombosis and Hemostasis, KU Leuven, Center for Molecular and Vascular Biology
Classification: Likely pathogenic for Hereditary factor VIII deficiency disease. Review status: criteria provided, single submitter. Criteria: ACMG Guidelines, 2015. Collection method: clinical testing. Allele origin: germline. Affected: yes. Observed: 1 heterozygote.
Comment: Submitted to GoldVariant by Kathleen Freson, Center for Molecular and Vascular Biology, Leuven, Belgium